The following is an entry in ClinVar:

ClinVar aggregate classification (germline): Likely benign. Review status: criteria provided, multiple submitters, no conflicts (2 of 4 stars). 3 submissions from 3 submitters: Likely benign (2). 1 of the submissions does not count toward it. Last evaluated 2024-10-21.

Conditions:
Aortic valve disease 2 (AOVD2). Identifiers: MedGen C3542024, MONDO:0013902, OMIM 614823.
SMAD6-related disease. Also called: SMAD6-related condition; SMAD6-related disorder. Identifiers: MedGen CN381596, MONDO:0700324.
Inborn genetic diseases. Identifiers: MedGen C0950123, MeSH D030342.

Allele frequency attached by ClinVar (database versions not stated): gnomAD 0.00002; ExAC 0.00014.

Submissions (3):

Labcorp Genetics (formerly Invitae), Labcorp
Classification: Likely benign for Aortic valve disease 2. Last evaluated: 2024-10-21. Review status: criteria provided, single submitter. Criteria: Invitae Variant Classification Sherloc (09022015). Collection method: clinical testing. Allele origin: germline.

Ambry Genetics
Classification: Likely benign for Inborn genetic diseases. Last evaluated: 2024-05-11. Review status: criteria provided, single submitter. Criteria: Ambry Variant Classification Scheme 2023. Collection method: clinical testing. Allele origin: germline.

PreventionGenetics, part of Exact Sciences
Classification: Likely benign for SMAD6-related condition. Last evaluated: 2019-02-22. Review status: no assertion criteria provided. Collection method: clinical testing. Allele origin: germline. Not counted in ClinVar's aggregate classification.
Comment: This variant is classified as likely benign based on ACMG/AMP sequence variant interpretation guidelines (Richards et al. 2015 PMID: 25741868, with internal and published modifications).

NM_005585.5(SMAD6):c.562C>T (p.Leu188=)

Gene: SMAD6 (SMAD family member 6; plus strand). Cytogenetic location: 15q22.31.
Variant type: single nucleotide variant.
Coding change: c.562C>T on transcript NM_005585.5 (MANE Select); coding-DNA position 562, C replaced by T.
Protein change: p.Leu188=; no amino-acid change (leucine 188 retained).
Molecular consequence: synonymous variant. On other transcripts: non-coding transcript variant (1).
Genome position (GRCh38, 1-based): chr15:66,703,820, C>T. VCF-style: chr15-66703820-C-T. GRCh37 (hg19) VCF-style: chr15-66996158-C-T.
Other names: c.562C>T (NM_005585.4).
Identifiers: ClinVar variation 1922077 (VCV001922077.8), dbSNP rs765834966, ClinGen allele CA7626489.